The following is an entry in ClinVar:

NM_015631.6(TCTN3):c.48C>A (p.Phe16Leu)

Genes: TCTN3 (tectonic family member 3; minus strand), LOC130004408 (ATAC-STARR-seq lymphoblastoid active region 3801; plus strand). Cytogenetic location: 10q24.1.
Variant type: single nucleotide variant.
Coding change: c.48C>A on transcript NM_015631.6 (MANE Select); coding-DNA position 48, C replaced by A.
Protein change: p.Phe16Leu; replaces phenylalanine 16 with leucine.
Molecular consequence: missense variant.
Genome position (GRCh38, 1-based): chr10:95,693,852, G>T on the plus strand (C>A on the coding strand, the complement: TCTN3 is on the minus strand). VCF-style: chr10-95693852-G-T. GRCh37 (hg19) VCF-style: chr10-97453609-G-T.
Other names: c.102C>A, p.Phe34Leu (NM_001013840.1); c.48C>A, p.Phe16Leu (NM_001143973.2, NM_001410982.1); short protein forms F34L, F16L.
Identifiers: ClinVar variation 2196546 (VCV002196546.3), dbSNP rs1382410134, ClinGen allele CA377714330.

ClinVar aggregate classification (germline): Uncertain significance (1 of 4 stars; one submission).

Conditions:
Joubert syndrome 18 (JBTS18). Identifiers: Orphanet 2754, MedGen C3553758, MONDO:0013896, OMIM 614815.
Orofacial-digital syndrome IV (OFD4). Also called: BARAITSER-BURN SYNDROME; OFD SYNDROME WITH TIBIAL DEFECTS; OFD SYNDROME, BARAITSER-BURN TYPE; OFDS IV; ORAL-FACIAL-DIGITAL SYNDROME, TYPE IV; Orofaciodigital syndrome IV. Identifiers: Orphanet 2753, MedGen C0406727, MONDO:0009794, OMIM 258860.

Allele frequency attached by ClinVar (database versions not stated): TOPMed 0.00002; gnomAD 0.00003.
gnomAD v4.1: 15 of 1,551,582 alleles (0.00097%); highest among the groups gnomAD compares: Admixed American, 0.002%; no homozygotes.

Submission:

Labcorp Genetics (formerly Invitae), Labcorp
Classification: Uncertain significance for Joubert syndrome 18; Orofacial-digital syndrome IV. Last evaluated: 2025-01-07. Review status: criteria provided, single submitter. Criteria: Invitae Variant Classification Sherloc (09022015). Collection method: clinical testing. Allele origin: germline.
Comment: This sequence change replaces phenylalanine, which is neutral and non-polar, with leucine, which is neutral and non-polar, at codon 16 of the TCTN3 protein (p.Phe16Leu). This variant is present in population databases (no rsID available, gnomAD 0.005%). This variant has not been reported in the literature in individuals affected with TCTN3-related conditions. ClinVar contains an entry for this variant (Variation ID: 2196546). An algorithm developed to predict the effect of missense changes on protein structure and function outputs the following: PolyPhen-2: "Benign". The leucine amino acid residue is found in multiple mammalian species, which suggests that this missense change does not adversely affect protein function. In summary, the available evidence is currently insufficient to determine the role of this variant in disease. Therefore, it has been classified as a Variant of Uncertain Significance.